The following is an entry in ClinVar:

ClinVar aggregate classification (germline): Uncertain significance (1 of 4 stars; one submission).

gnomAD v4.1: 14 of 1,613,750 alleles (0.00087%); highest among the groups gnomAD compares: East Asian, 0.0067%; no homozygotes.

Submission:

GeneDx
Classification: Uncertain significance. Last evaluated: 2022-01-19. Review status: criteria provided, single submitter. Criteria: GeneDx Variant Classification Process June 2021. Collection method: clinical testing. Allele origin: germline. Affected: yes.
Comment: In silico analysis supports that this missense variant does not alter protein structure/function; Has not been previously published as pathogenic or benign to our knowledge; Variants in candidate genes are classified as variants of uncertain significance in accordance with ACMG guidelines (Richards et al., 2015)

NM_033026.6(PCLO):c.6142A>G (p.Met2048Val)

Gene: PCLO (piccolo presynaptic cytomatrix protein; minus strand). Cytogenetic location: 7q21.11.
Variant type: single nucleotide variant.
Coding change: c.6142A>G on transcript NM_033026.6 (MANE Select); coding-DNA position 6142, A replaced by G.
Protein change: p.Met2048Val; replaces methionine 2048 with valine.
Molecular consequence: missense variant.
Genome position (GRCh38, 1-based): chr7:82,954,811, T>C on the plus strand (A>G on the coding strand, the complement: PCLO is on the minus strand). VCF-style: chr7-82954811-T-C. GRCh37 (hg19) VCF-style: chr7-82584127-T-C.
Other names: c.6142A>G, p.Met2048Val (NM_014510.3); short protein forms M2048V.
Identifiers: ClinVar variation 3903215 (VCV003903215.1).